The following is an entry in ClinVar:

ClinVar aggregate classification (germline): Uncertain significance (1 of 4 stars; one submission).

gnomAD v4.1: 2 of 1,613,384 alleles (0.00012%); highest among the groups gnomAD compares: Non-Finnish European, 0.00017%; no homozygotes.

Submission:

Ambry Genetics
Classification: Uncertain significance. Last evaluated: 2024-12-21. Review status: criteria provided, single submitter. Criteria: Ambry Variant Classification Scheme 2023. Collection method: clinical testing. Allele origin: germline.
Comment: The p.G2065E variant (also known as c.6194G>A), located in coding exon 25 of the WNK2 gene, results from a G to A substitution at nucleotide position 6194. The glycine at codon 2065 is replaced by glutamic acid, an amino acid with similar properties. This amino acid position is conserved. In addition, this alteration is predicted to be deleterious by in silico analysis. Based on the available evidence, the clinical significance of this variant remains unclear.

NM_006648.4(WNK2):c.6194G>A (p.Gly2065Glu)

Gene: WNK2 (WNK lysine deficient protein kinase 2; plus strand). Cytogenetic location: 9q22.31.
Variant type: single nucleotide variant.
Coding change: c.6194G>A on transcript NM_006648.4 (MANE Select); coding-DNA position 6194, G replaced by A.
Protein change: p.Gly2065Glu; replaces glycine 2065 with glutamic acid.
Molecular consequence: missense variant.
Genome position (GRCh38, 1-based): chr9:93,300,129, G>A. VCF-style: chr9-93300129-G-A. GRCh37 (hg19) VCF-style: chr9-96062411-G-A.
Other names: c.6305G>A, p.Gly2102Glu (NM_001282394.3); short protein forms G2102E, G2065E.
Identifiers: ClinVar variation 3816577 (VCV003816577.1).
Genomic context (GRCh38, chr9:93,300,129, plus strand): 5'-CAACGTCTGAGAGAGTGACCTATAAGTCTAGTAGCAAACCTCGTGCTCGATTCCTCAGTG[G>A]ACCCGTATCTGTGTCCATCTGTCTGTATTTGTTCTTTTGTATTTTATCACCTCCTGGCCC-3'
Protein context (NP_006639.3, residues 2055-2075): SSKPRARFLS[Gly2065Glu]PVSVSIWSAL